The following is an entry in ClinVar:

NM_207352.4(CYP4V2):c.1169G>A (p.Arg390His)

Gene: CYP4V2 (cytochrome P450 family 4 subfamily V member 2; plus strand). Cytogenetic location: 4q35.2.
Variant type: single nucleotide variant.
Coding change: c.1169G>A on transcript NM_207352.4 (MANE Select); coding-DNA position 1169, G replaced by A.
Protein change: p.Arg390His; replaces arginine 390 with histidine.
Molecular consequence: missense variant.
Genome position (GRCh38, 1-based): chr4:186,208,943, G>A. VCF-style: chr4-186208943-G-A. GRCh37 (hg19) VCF-style: chr4-187130097-G-A.
Other names: c.1473G>A; short protein forms R390H.
Identifiers: ClinVar variation 39251 (VCV000039251.14), dbSNP rs199476201, ClinGen allele CA343708.

ClinVar aggregate classification (germline): Pathogenic/Likely pathogenic. Review status: criteria provided, multiple submitters, no conflicts (2 of 4 stars). 7 submissions from 7 submitters: Pathogenic (4); Likely pathogenic (1). 2 of the submissions do not count toward it. Last evaluated 2026-04-01.

Conditions:
CYP4V2-related disorder. Also called: CYP4V2-related disorders; CYP4V2-related condition.
Bietti crystalline corneoretinal dystrophy (BCD). Also called: Bietti Crystalline Dystrophy; BIETTI TAPETORETINAL DEGENERATION WITH MARGINAL CORNEAL DYSTROPHY. Identifiers: Orphanet 41751, MedGen C1859486, MONDO:0008865, OMIM 210370.

gnomAD v4.1: 32 of 1,614,150 alleles (0.002%); highest among the groups gnomAD compares: East Asian, 0.0045%; no homozygotes.

Submissions (7):

CeGaT Center for Human Genetics Tuebingen
Classification: Pathogenic. Last evaluated: 2026-04-01. Review status: criteria provided, single submitter. Criteria: CeGaT Center For Human Genetics Tuebingen Variant Classification Criteria Version 2. Collection method: clinical testing. Allele origin: germline. Affected: yes. Observed: 1 variant allele.
Comment: CYP4V2: PM3:Very Strong, PM1, PM2, PM5

3billion
Classification: Likely pathogenic for Bietti crystalline corneoretinal dystrophy. Last evaluated: 2025-11-17. Review status: criteria provided, single submitter. Criteria: ACMG Guidelines, 2015. Collection method: clinical testing. Allele origin: germline. Affected: yes.
Comment: The variant is observed at an extremely low frequency in the gnomAD v4.1.0 dataset (total allele frequency: 0.002%). Predicted Consequence/Location: Missense variant In silico tool predictions suggest damaging effect of the variant on gene or gene product [REVEL: 0.96 (>=0.6, sensitivity 0.68 and specificity 0.92)]. The same nucleotide change resulting in the same amino acid change has been previously reported as pathogenic/likely pathogenic with strong evidence (ClinVar ID: VCV000039251 /PMID: 21565171). Different missense changes at the same codon (p.Arg390Cys, p.Arg390Leu) have been reported as pathogenic/likely pathogenic with strong evidence (ClinVar ID: VCV000802105, VCV001075096 /PMID: 22087103, 34068831). Therefore, this variant is classified as Likely pathogenic according to the recommendation of ACMG/AMP guideline.

SingHealth Duke-NUS Institute of Precision Medicine
Classification: Pathogenic for Bietti crystalline corneoretinal dystrophy. Last evaluated: 2025-02-05. Review status: criteria provided, single submitter. Criteria: PRISM ACMG Classification Criteria. Collection method: clinical testing. Allele origin: germline. Affected: yes.
Comment: Variant is located in a mutational hotspot where >50% of variants are pathogenic (PM1). Variant is not found in gnomAD genomes and homozygous allele count in gnomAD exomes is less than 0 (PM2). Other variants at this amino acid residue have been classified as pathogenic/likely pathogenic (PM5, p.Arg390Leu; p.Arg390Cys). REVEL score is 0.96 (PP3_str). Variant is found to be in trans with another pathogenic variant (PM3)

Labcorp Genetics (formerly Invitae), Labcorp
Classification: Pathogenic. Last evaluated: 2024-08-31. Review status: criteria provided, single submitter. Criteria: Invitae Variant Classification Sherloc (09022015). Collection method: clinical testing. Allele origin: germline.
Comment: This sequence change replaces arginine, which is basic and polar, with histidine, which is basic and polar, at codon 390 of the CYP4V2 protein (p.Arg390His). This variant is present in population databases (rs199476201, gnomAD 0.01%). This missense change has been observed in individual(s) with Bietti crystalline corneoretinal dystrophy (PMID: 21565171, 33090715). ClinVar contains an entry for this variant (Variation ID: 39251). Invitae Evidence Modeling of protein sequence and biophysical properties (such as structural, functional, and spatial information, amino acid conservation, physicochemical variation, residue mobility, and thermodynamic stability) indicates that this missense variant is expected to disrupt CYP4V2 protein function with a positive predictive value of 80%. This variant disrupts the p.Arg390 amino acid residue in CYP4V2. Other variant(s) that disrupt this residue have been determined to be pathogenic (PMID: 22087103, 26971461, 28051075). This suggests that this residue is clinically significant, and that variants that disrupt this residue are likely to be disease-causing. For these reasons, this variant has been classified as Pathogenic.

Blueprint Genetics
Classification: Pathogenic for CYP4V2-related disorders. Last evaluated: 2022-08-12. Review status: criteria provided, single submitter. Criteria: ACMG Guidelines, 2015. Collection method: clinical testing. Allele origin: germline. Affected: yes. Observed: 5 variant alleles.

GeneReviews
Classification: Pathogenic for Bietti Crystalline Dystrophy. Last evaluated: 2012-04-12. Review status: no assertion criteria provided. Collection method: curation. Allele origin: unknown. Not counted in ClinVar's aggregate classification.
ClinVar note: Converted during submission from pathologic to Pathogenic.

Department of Pathology and Laboratory Medicine, Sinai Health System
Classification: Uncertain significance. Review status: no assertion criteria provided. Collection method: clinical testing. Allele origin: unknown. Affected: yes. Study: The Canadian Open Genetics Repository (COGR). Not counted in ClinVar's aggregate classification.

Literature cited by the submitters: PubMed 22087103 (cited by 3billion and Labcorp Genetics (formerly Invitae), Labcorp); PubMed 21565171 (cited by 3billion and Labcorp Genetics (formerly Invitae), Labcorp); PubMed 33090715 (cited by Labcorp Genetics (formerly Invitae), Labcorp); PubMed 26971461 (cited by Labcorp Genetics (formerly Invitae), Labcorp); PubMed 28051075 (cited by Labcorp Genetics (formerly Invitae), Labcorp).